The following is an entry in ClinVar:

ClinVar aggregate classification (germline): Uncertain significance (1 of 4 stars; one submission).

Submission:

Labcorp Genetics (formerly Invitae), Labcorp
Classification: Uncertain significance. Last evaluated: 2022-06-14. Review status: criteria provided, single submitter. Criteria: Invitae Variant Classification Sherloc (09022015). Collection method: clinical testing. Allele origin: germline.
Comment: This sequence change replaces threonine, which is neutral and polar, with alanine, which is neutral and non-polar, at codon 373 of the FGFRL1 protein (p.Thr373Ala). This variant is not present in population databases (gnomAD no frequency). This variant has not been reported in the literature in individuals affected with FGFRL1-related conditions. Algorithms developed to predict the effect of missense changes on protein structure and function output the following: SIFT: "Tolerated"; PolyPhen-2: "Benign"; Align-GVGD: "Class C0". The alanine amino acid residue is found in multiple mammalian species, which suggests that this missense change does not adversely affect protein function. In summary, the available evidence is currently insufficient to determine the role of this variant in disease. Therefore, it has been classified as a Variant of Uncertain Significance.

NM_001004356.3(FGFRL1):c.1117A>G (p.Thr373Ala)

Gene: FGFRL1 (fibroblast growth factor receptor like 1; plus strand). Cytogenetic location: 4p16.3.
Variant type: single nucleotide variant.
Coding change: c.1117A>G on transcript NM_001004356.3 (MANE Select); coding-DNA position 1117, A replaced by G.
Protein change: p.Thr373Ala; replaces threonine 373 with alanine.
Molecular consequence: missense variant.
Genome position (GRCh38, 1-based): chr4:1,024,949, A>G. VCF-style: chr4-1024949-A-G. GRCh37 (hg19) VCF-style: chr4-1018737-A-G.
Other names: c.1117A>G, p.Thr373Ala (NM_001004358.1, NM_001370296.1, NM_021923.3); short protein forms T373A.
Identifiers: ClinVar variation 1926295 (VCV001926295.5), dbSNP rs2534154335, ClinGen allele CA355934386.